The following is an entry in ClinVar:

NM_007254.4(PNKP):c.1419dup (p.Val474fs)

Gene: PNKP (polynucleotide kinase 3'-phosphatase; minus strand). Cytogenetic location: 19q13.33.
Variant type: Duplication.
Coding change: c.1419dup on transcript NM_007254.4 (MANE Select); coding-DNA position 1419, one base duplicated (C; older notation c.1419dupC).
Protein change: p.Val474fs; shifts the reading frame from valine 474.
Molecular consequence: frameshift variant.
Genome position (GRCh38, 1-based): chr19:49,861,478, G duplicated on the plus strand (C on the coding strand, the reverse complement: PNKP is on the minus strand); the first of 4 consecutive G bases (chr19:49,861,478-49,861,481); duplicating any one gives the same sequence. VCF-style (leftmost placement, unchanged base first): chr19-49861477-C-CG. GRCh37 (hg19) VCF-style: chr19-50364734-C-CG.
Other names: short protein forms V474fs.
Identifiers: ClinVar variation 3340321 (VCV003340321.1).

ClinVar aggregate classification (germline): Likely pathogenic (1 of 4 stars; one submission).

Submission:

GeneDx
Classification: Likely pathogenic. Last evaluated: 2023-11-27. Review status: criteria provided, single submitter. Criteria: GeneDx Variant Classification Process June 2021. Collection method: clinical testing. Allele origin: germline. Affected: yes.
Comment: Frameshift variant predicted to result in abnormal protein length as the last 48 amino acids are replaced with 19 different amino acids, and other similar variants have been reported in HGMD; Not observed at significant frequency in large population cohorts (gnomAD); Has not been previously published as pathogenic or benign to our knowledge; This variant is associated with the following publications: (PMID: 22508754)